The following is an entry in ClinVar:

ClinVar aggregate classification (germline): Uncertain significance (1 of 4 stars; one submission).

Submission:

Women's Health and Genetics/Laboratory Corporation of America, LabCorp
Classification: Uncertain significance. Last evaluated: 2024-09-12. Review status: criteria provided, single submitter. Criteria: LabCorp Variant Classification Summary - May 2015. Collection method: clinical testing. Allele origin: germline.
Comment: Variant summary: TECTA c.3546C>T (p.Val1182Val) alters a conserved nucleotide located close to a canonical splice site and therefore could affect mRNA splicing, leading to a significantly altered protein sequence. Consensus agreement among computation tools predict no significant impact on normal splicing. However, these predictions have yet to be confirmed by functional studies. The variant was absent in 250908 control chromosomes. The available data on variant occurrences in the general population are insufficient to allow any conclusion about variant significance. To our knowledge, no occurrence of c.3546C>T in individuals affected with Deafness, Autosomal Recessive 21 and no experimental evidence demonstrating its impact on protein function have been reported. No submitters have cited clinical-significance assessments for this variant to ClinVar. Based on the evidence outlined above, the variant was classified as uncertain significance.

NM_005422.4(TECTA):c.3546C>T (p.Val1182=)

Genes: TBCEL-TECTA (TBCEL-TECTA readthrough; plus strand), TECTA (tectorin alpha; plus strand). Cytogenetic location: 11q23.3.
Variant type: single nucleotide variant.
Coding change: c.3546C>T on transcript NM_005422.4 (MANE Select); coding-DNA position 3546, C replaced by T.
Protein change: p.Val1182=; no amino-acid change (valine 1182 retained).
Molecular consequence: synonymous variant.
Genome position (GRCh38, 1-based): chr11:121,145,557, C>T. VCF-style: chr11-121145557-C-T. GRCh37 (hg19) VCF-style: chr11-121016266-C-T.
Other names: c.4503C>T, p.Val1501= (NM_001378761.1).
Identifiers: ClinVar variation 3374847 (VCV003374847.1).